The following is an entry in ClinVar:

ClinVar aggregate classification (germline): Uncertain significance (1 of 4 stars; one submission).

Conditions:
Gastrointestinal stromal tumor. Also called: Gastrointestinal stromal tumor, somatic; Gastrointestinal stroma tumor. Identifiers: Orphanet 44890, MedGen C0238198, MeSH D046152, MONDO:0011719, OMIM 606764, HP:0100723.

Allele frequency attached by ClinVar (database versions not stated): gnomAD exomes below 0.00001.
gnomAD v4.1: 1 of 1,614,076 alleles (0.000062%); highest among the groups gnomAD compares: South Asian, 0.0011%; no homozygotes.

Submission:

Labcorp Genetics (formerly Invitae), Labcorp
Classification: Uncertain significance for Gastrointestinal stromal tumor. Last evaluated: 2024-03-27. Review status: criteria provided, single submitter. Criteria: Invitae Variant Classification Sherloc (09022015). Collection method: clinical testing. Allele origin: germline.
Comment: This sequence change replaces tyrosine, which is neutral and polar, with cysteine, which is neutral and slightly polar, at codon 613 of the PDGFRA protein (p.Tyr613Cys). This variant is not present in population databases (gnomAD no frequency). This variant has not been reported in the literature in individuals affected with PDGFRA-related conditions. ClinVar contains an entry for this variant (Variation ID: 854190). Advanced modeling of protein sequence and biophysical properties (such as structural, functional, and spatial information, amino acid conservation, physicochemical variation, residue mobility, and thermodynamic stability) performed at Invitae indicates that this missense variant is not expected to disrupt PDGFRA protein function with a negative predictive value of 80%. In summary, the available evidence is currently insufficient to determine the role of this variant in disease. Therefore, it has been classified as a Variant of Uncertain Significance.

NM_006206.6(PDGFRA):c.1838A>G (p.Tyr613Cys)

Gene: PDGFRA (platelet derived growth factor receptor alpha; plus strand). Cytogenetic location: 4q12.
Variant type: single nucleotide variant.
Coding change: c.1838A>G on transcript NM_006206.6 (MANE Select); coding-DNA position 1838, A replaced by G.
Protein change: p.Tyr613Cys; replaces tyrosine 613 with cysteine.
Molecular consequence: missense variant.
Genome position (GRCh38, 1-based): chr4:54,277,439, A>G. VCF-style: chr4-54277439-A-G. GRCh37 (hg19) VCF-style: chr4-55143606-A-G.
Other names: c.1838A>G, p.Tyr613Cys (NM_001347827.2, NM_001347829.2); c.1913A>G, p.Tyr638Cys (NM_001347828.2); c.1877A>G, p.Tyr626Cys (NM_001347830.2); short protein forms Y626C, Y638C, Y613C.
Identifiers: ClinVar variation 854190 (VCV000854190.8), dbSNP rs1723800050, ClinGen allele CA356893433.
Genomic context (GRCh38, chr4:54,277,439, plus strand): 5'-TGCCCACAGGTCGGGTCTTGGGGTCTGGAGCGTTTGGGAAGGTGGTTGAAGGAACAGCCT[A>G]TGGATTAAGCCGGTCCCAACCTGTCATGAAAGTTGCAGTGAAGATGCTAAAACGTAAGTG-3'
Protein context (NP_006197.1, residues 603-623): AFGKVVEGTA[Tyr613Cys]GLSRSQPVMK